The following is an entry in ClinVar:

ClinVar aggregate classification (germline): Benign. Review status: criteria provided, multiple submitters, no conflicts (2 of 4 stars). 3 submissions from 3 submitters: Benign (3). Last evaluated 2024-01-24.

Allele frequency attached by ClinVar (database versions not stated): 1000 Genomes Project 30x 0.11352; 1000 Genomes Project 0.11402; TOPMed 0.16290; gnomAD 0.17908 and 0.17917; ESP Exome Variant Server 0.19536; gnomAD exomes 0.26207.
gnomAD v4.1: 365,191 of 1,443,336 alleles (25%); highest among the groups gnomAD compares: Non-Finnish European, 28%; 46,725 homozygotes.

Submissions (3):

Unidad de Genómica Garrahan, Hospital de Pediatría Garrahan
Classification: Benign. Last evaluated: 2024-01-24. Review status: criteria provided, single submitter. Criteria: ACMG Guidelines, 2015. Collection method: clinical testing. Allele origin: germline. Affected: no. Observed: 27 variant alleles.
Comment: This variant is classified as Benign based on local population frequency. This variant was detected in 28% of patients studied by a panel of primary immunodeficiencies. Number of patients: 27. Only high quality variants are reported.

GeneDx
Classification: Benign. Last evaluated: 2018-08-08. Review status: criteria provided, single submitter. Criteria: GeneDx Variant Classification Process June 2021. Collection method: clinical testing. Allele origin: germline. Affected: yes.

Breakthrough Genomics
Classification: Benign. Review status: criteria provided, single submitter. Criteria: ACMG Guidelines, 2015. Collection method: not provided. Allele origin: germline. Inheritance: Autosomal recessive inheritance. Affected: yes.

NM_001250.6(CD40):c.51+53G>A

Genes: CD40 (CD40 molecule; plus strand), LOC127893450 (CRISPRi-FlowFISH-validated CD40 regulatory element GRCh37_chr20:44746135-44748232; plus strand). Cytogenetic location: 20q13.12.
Variant type: single nucleotide variant.
Coding change: c.51+53G>A on transcript NM_001250.6 (MANE Select); 53 bases into the intron after coding-DNA position 51, G replaced by A.
Molecular consequence: intron variant.
Genome position (GRCh38, 1-based): chr20:46,118,447, G>A. VCF-style: chr20-46118447-G-A. GRCh37 (hg19) VCF-style: chr20-44747086-G-A.
Other names: c.51+53G>A (NM_001302753.2, NM_001322421.2, NM_001362758.2 and 2 more transcripts).
Identifiers: ClinVar variation 1245520 (VCV001245520.5), dbSNP rs745307, ClinGen allele CA14798999.